The following is an entry in ClinVar:

ClinVar aggregate classification (germline): Uncertain significance (1 of 4 stars; one submission).

Conditions:
Familial thoracic aortic aneurysm and aortic dissection (TAAD). Also called: Thoracic aortic aneurysms and dissections. Identifiers: Orphanet 91387, MedGen C4707243, MONDO:0019625.

gnomAD v4.1: 2 of 1,614,124 alleles (0.00012%); no homozygotes.

Submission:

Color Diagnostics, LLC DBA Color Health
Classification: Uncertain significance for Familial thoracic aortic aneurysm and aortic dissection. Last evaluated: 2024-03-06. Review status: criteria provided, single submitter. Criteria: ACMG Guidelines, 2015. Collection method: clinical testing. Allele origin: germline.
Comment: This variant is located in the TGFBR2 protein. Computational prediction suggests that this variant may not impact protein structure and function (internally defined REVEL score threshold <= 0.5, PMID: 27666373). To our knowledge, functional studies have not been reported for this variant. This variant has not been reported in individuals affected with TGFBR2-related disorders in the literature. This variant has not been identified in the general population by the Genome Aggregation Database (gnomAD). The available evidence is insufficient to determine the role of this variant in disease conclusively. Therefore, this variant is classified as a Variant of Uncertain Significance.

NM_003242.6(TGFBR2):c.1596G>T (p.Gln532His)

Gene: TGFBR2 (transforming growth factor beta receptor 2; plus strand). Cytogenetic location: 3p24.1.
Variant type: single nucleotide variant.
Coding change: c.1596G>T on transcript NM_003242.6 (MANE Select); coding-DNA position 1596, G replaced by T.
Protein change: p.Gln532His; replaces glutamine 532 with histidine.
Molecular consequence: missense variant.
Genome position (GRCh38, 1-based): chr3:30,691,491, G>T. VCF-style: chr3-30691491-G-T. GRCh37 (hg19) VCF-style: chr3-30732983-G-T.
Other names: c.1671G>T, p.Gln557His (NM_001024847.3); c.1779G>T, p.Gln593His (NM_001407126.1); c.1704G>T, p.Gln568His (NM_001407127.1); c.1623G>T, p.Gln541His (NM_001407128.1); c.1599G>T, p.Gln533His (NM_001407129.1); c.1593G>T, p.Gln531His (NM_001407130.1); c.1491G>T, p.Gln497His (NM_001407132.1, NM_001407133.1, NM_001407134.1 and 2 more transcripts); c.1311G>T, p.Gln437His (NM_001407137.1); and 2 more; short protein forms Q532H, Q557H, Q531H, Q568H, Q593H, Q412H, Q497H, Q242H.
Identifiers: ClinVar variation 920649 (VCV000920649.6), dbSNP rs750806566, ClinGen allele CA351809630.